The following is an entry in ClinVar:

NC_000010.10:g.(?_14961717)_(14996009_?)dup

Gene: DCLRE1C (DNA cross-link repair 1C; minus strand). Cytogenetic location: 10p13.
Variant type: Duplication.
Identifiers: ClinVar variation 1483293 (VCV001483293.4).

ClinVar aggregate classification (germline): Uncertain significance (1 of 4 stars; one submission).

Conditions:
Severe combined immunodeficiency due to DCLRE1C deficiency (RS-SCID). Also called: SCID, AUTOSOMAL RECESSIVE, T CELL-NEGATIVE, B CELL-NEGATIVE, NK CELL-POSITIVE, WITH SENSITIVITY TO IONIZING RADIATION. Identifiers: Orphanet 275, MedGen C1865371, MONDO:0011225, OMIM 602450.

Submission:

Labcorp Genetics (formerly Invitae), Labcorp
Classification: Uncertain significance for Athabaskan severe combined immunodeficiency. Last evaluated: 2021-02-24. Review status: criteria provided, single submitter. Criteria: Invitae Variant Classification Sherloc (09022015). Collection method: clinical testing. Allele origin: germline.
Comment: In summary, the available evidence is currently insufficient to determine the role of this variant in disease. Therefore, it has been classified as a Variant of Uncertain Significance. Experimental studies and prediction algorithms are not available or were not evaluated, and the functional significance of this variant is currently unknown. This variant has not been reported in the literature in individuals with DCLRE1C-related conditions. This variant results in a copy number gain of the genomic region encompassing exon(s) 1-13 of the DCLRE1C gene. This region includes the initiator codon of the gene. The 5' end of this event is unknown as it extends beyond the assayed region for this gene and therefore may encompass additional genes. The 3' boundary is likely confined to intron 13 of the DCLRE1C gene. As the precise location of this event is unknown, it may be in tandem or it may be located elsewhere in the genome.